The following is an entry in ClinVar:

ClinVar aggregate classification (germline): Uncertain significance (1 of 4 stars; one submission).

Submission:

GeneDx
Classification: Uncertain significance. Last evaluated: 2025-10-03. Review status: criteria provided, single submitter. Criteria: GeneDx Variant Classification Process June 2021. Collection method: clinical testing. Allele origin: germline. Affected: yes.
Comment: Not observed at significant frequency in large population cohorts (gnomAD); Canonical splice site variant in a gene or region of a gene for which loss of function is not a well-established mechanism of disease; Has not been previously published as pathogenic or benign to our knowledge

NM_031418.4(ANO3):c.1387-1G>A

Genes: ANO3 (anoctamin 3; plus strand), MUC15 (mucin 15, cell surface associated; minus strand). Cytogenetic location: 11p14.2.
Variant type: single nucleotide variant.
Coding change: c.1387-1G>A on transcript NM_031418.4 (MANE Select); the canonical splice acceptor site of the intron before coding-DNA position 1387, G replaced by A.
Molecular consequence: splice acceptor variant. On other transcripts: 3 prime UTR variant (3).
Genome position (GRCh38, 1-based): chr11:26,559,718, G>A. VCF-style: chr11-26559718-G-A. GRCh37 (hg19) VCF-style: chr11-26581265-G-A.
Other names: c.*1347C>T (NM_001135091.2, NM_001135092.2, NM_145650.4); c.1570-1G>A (NM_001313726.2); c.949-1G>A (NM_001313727.2).
Identifiers: ClinVar variation 4819529 (VCV004819529.1).
Genomic context (GRCh38, chr11:26,559,718, plus strand): 5'-TATTCACTGGCTTATTATAATCAATTTGCATGACTAATATTTCTGTTTGTTTTCTACTCA[G>A]GTGACATATTTGTTCGATAATGGAGGGACAGTCTTCTTTGCTATTTTTATGGCAATATGG-3'